The following is an entry in ClinVar:

ClinVar aggregate classification (germline): Uncertain significance. Review status: criteria provided, multiple submitters, no conflicts (2 of 4 stars). 4 submissions from 4 submitters: Uncertain significance (4). Last evaluated 2026-03-15.

Conditions:
PROM1-related disorder. Also called: PROM1-related disorders; PROM1-related condition.
Inborn genetic diseases. Identifiers: MedGen C0950123, MeSH D030342.

Allele frequency attached by ClinVar (database versions not stated): ExAC 0.00004; gnomAD exomes 0.00005; TOPMed 0.00006; ESP Exome Variant Server 0.00008.
gnomAD v4.1: 90 of 1,609,214 alleles (0.0056%); highest among the groups gnomAD compares: Admixed American, 0.018%; no homozygotes.

Submissions (4):

PreventionGenetics, part of Exact Sciences
Classification: Uncertain significance for PROM1-related condition. Last evaluated: 2026-03-15. Review status: criteria provided, single submitter. Criteria: ACMG Guidelines, 2015. Collection method: clinical testing. Allele origin: germline.
Comment: The PROM1 c.2340T>G variant is predicted to result in the amino acid substitution p.Asp780Glu. To our knowledge, this variant has not been reported in the literature. This variant is present in 0.012% of alleles in individuals of Latino descent in gnomAD. At this time, the clinical significance of this variant is uncertain due to the absence of conclusive functional and genetic evidence.

Ambry Genetics
Classification: Uncertain significance for Inborn genetic diseases. Last evaluated: 2025-03-22. Review status: criteria provided, single submitter. Criteria: Ambry Variant Classification Scheme 2023. Collection method: clinical testing. Allele origin: germline.

Labcorp Genetics (formerly Invitae), Labcorp
Classification: Uncertain significance. Last evaluated: 2024-11-20. Review status: criteria provided, single submitter. Criteria: Invitae Variant Classification Sherloc (09022015). Collection method: clinical testing. Allele origin: germline.
Comment: This sequence change replaces aspartic acid, which is acidic and polar, with glutamic acid, which is acidic and polar, at codon 780 of the PROM1 protein (p.Asp780Glu). This variant is present in population databases (rs368089869, gnomAD 0.01%). This variant has not been reported in the literature in individuals affected with PROM1-related conditions. ClinVar contains an entry for this variant (Variation ID: 966140). Invitae Evidence Modeling of protein sequence and biophysical properties (such as structural, functional, and spatial information, amino acid conservation, physicochemical variation, residue mobility, and thermodynamic stability) indicates that this missense variant is not expected to disrupt PROM1 protein function with a negative predictive value of 80%. In summary, the available evidence is currently insufficient to determine the role of this variant in disease. Therefore, it has been classified as a Variant of Uncertain Significance.

Blueprint Genetics
Classification: Uncertain significance. Last evaluated: 2024-07-02. Review status: criteria provided, single submitter. Criteria: ACMG Guidelines, 2015. Collection method: clinical testing. Allele origin: germline.

NM_006017.3(PROM1):c.2340T>G (p.Asp780Glu)

Gene: PROM1 (prominin 1; minus strand). Cytogenetic location: 4p15.32.
Variant type: single nucleotide variant.
Coding change: c.2340T>G on transcript NM_006017.3 (MANE Select); coding-DNA position 2340, T replaced by G.
Protein change: p.Asp780Glu; replaces aspartic acid 780 with glutamic acid.
Molecular consequence: missense variant.
Genome position (GRCh38, 1-based): chr4:15,984,296, A>C on the plus strand (T>G on the coding strand, the complement: PROM1 is on the minus strand). VCF-style: chr4-15984296-A-C. GRCh37 (hg19) VCF-style: chr4-15985919-A-C.
Other names: c.2313T>G, p.Asp771Glu (NM_001145847.2, NM_001145848.2, NM_001145851.2 and 4 more transcripts); c.2340T>G, p.Asp780Glu (NM_001145849.2, NM_001145850.2); short protein forms D771E, D780E.
Identifiers: ClinVar variation 966140 (VCV000966140.10), dbSNP rs368089869, ClinGen allele CA2866420.